The following is an entry in ClinVar:

ClinVar aggregate classification (germline): Uncertain significance (1 of 4 stars; one submission).

Conditions:
Lower motor neuron syndrome with late-adult onset (SMAJ). Also called: Late-Onset Spinal Motor Neuronopathy (SMAJ); Spinal muscular atrophy, Jokela type. Identifiers: Orphanet 276435, MedGen C3554398, MONDO:0014025, OMIM 615048.
Frontotemporal dementia and/or amyotrophic lateral sclerosis 2. Also called: FTDALS2. Identifiers: Orphanet 275872, MedGen C4014648, MONDO:0014395, OMIM 615911.
Autosomal dominant mitochondrial myopathy with exercise intolerance (IMMD). Also called: Myopathy, isolated mitochondrial, autosomal dominant. Identifiers: Orphanet 457050, MedGen C4015513, MONDO:0014532, OMIM 616209.

Submission:

Labcorp Genetics (formerly Invitae), Labcorp
Classification: Uncertain significance for Lower motor neuron syndrome with late-adult onset; Frontotemporal dementia and/or amyotrophic lateral sclerosis 2; Autosomal dominant mitochondrial myopathy with exercise intolerance. Last evaluated: 2022-06-06. Review status: criteria provided, single submitter. Criteria: Invitae Variant Classification Sherloc (09022015). Collection method: clinical testing. Allele origin: germline.
Comment: In summary, the available evidence is currently insufficient to determine the role of this variant in disease. Therefore, it has been classified as a Variant of Uncertain Significance. Algorithms developed to predict the effect of missense changes on protein structure and function (SIFT, PolyPhen-2, Align-GVGD) all suggest that this variant is likely to be disruptive. This variant has not been reported in the literature in individuals affected with CHCHD10-related conditions. This variant is not present in population databases (gnomAD no frequency). This sequence change replaces cysteine, which is neutral and slightly polar, with tyrosine, which is neutral and polar, at codon 132 of the CHCHD10 protein (p.Cys132Tyr).

NM_213720.3(CHCHD10):c.395G>A (p.Cys132Tyr)

Gene: CHCHD10 (coiled-coil-helix-coiled-coil-helix domain containing 10; minus strand). Cytogenetic location: 22q11.23.
Variant type: single nucleotide variant.
Coding change: c.395G>A on transcript NM_213720.3 (MANE Select); coding-DNA position 395, G replaced by A.
Protein change: p.Cys132Tyr; replaces cysteine 132 with tyrosine.
Molecular consequence: missense variant. On other transcripts: non-coding transcript variant (2).
Genome position (GRCh38, 1-based): chr22:23,766,142, C>T on the plus strand (G>A on the coding strand, the complement: CHCHD10 is on the minus strand). VCF-style: chr22-23766142-C-T. GRCh37 (hg19) VCF-style: chr22-24108329-C-T.
Other names: c.416G>A, p.Cys139Tyr (NM_001301339.2); short protein forms C139Y, C132Y.
Identifiers: ClinVar variation 1980844 (VCV001980844.4), dbSNP rs2517617183, ClinGen allele CA410914091.